The following is an entry in ClinVar:

NM_000089.4(COL1A2):c.880G>A (p.Val294Ile)

Gene: COL1A2 (collagen type I alpha 2 chain; plus strand). Cytogenetic location: 7q21.3.
Variant type: single nucleotide variant.
Coding change: c.880G>A on transcript NM_000089.4 (MANE Select); coding-DNA position 880, G replaced by A.
Protein change: p.Val294Ile; replaces valine 294 with isoleucine.
Molecular consequence: missense variant.
Genome position (GRCh38, 1-based): chr7:94,409,409, G>A. VCF-style: chr7-94409409-G-A. GRCh37 (hg19) VCF-style: chr7-94038721-G-A.
Other names: short protein forms V294I.
Identifiers: ClinVar variation 194693 (VCV000194693.23), dbSNP rs145693444, ClinGen allele CA240806.
Genomic context (GRCh38, chr7:94,409,409, plus strand): 5'-GGTCCTGCTGGTCCCGCCGGTCCCCGTGGTGAAGTGGGTCTTCCAGGCCTCTCCGGCCCC[G>A]TTGGACCTCCTGTAAGTAGCCACTGTCTTTAAACTTTATTGAGTAAAAGAAAACAAAGGT-3'
Protein context (NP_000080.2, residues 284-304): EVGLPGLSGP[Val294Ile]GPPGNPGANG

ClinVar aggregate classification (germline): Uncertain significance. Review status: criteria provided, multiple submitters, no conflicts (2 of 4 stars). 4 submissions from 4 submitters: Uncertain significance (4). Last evaluated 2025-12-30.

Conditions:
Ehlers-Danlos syndrome, classic type, 1 (EDSCL1). Also called: Ehlers-Danlos Syndrome, Classic Type, COL5A1-Related; EHLERS-DANLOS SYNDROME, GRAVIS TYPE; EHLERS-DANLOS SYNDROME, SEVERE CLASSIC TYPE; Ehlers-Danlos syndrome, type 1; EDS I. Identifiers: MedGen C0268335, MONDO:0019567, OMIM 130000.
Osteogenesis imperfecta type I (OI1). Also called: Classic Non-deforming Osteogenesis Imperfecta with Blue Sclerae; Osteogenesis imperfecta type 1; OSTEOGENESIS IMPERFECTA WITH BLUE SCLERAE; Lobstein disease; Lobstein's Disease; OI, TYPE I. Identifiers: Orphanet 216796, Orphanet 666, MedGen C0023931, MONDO:0008146, OMIM 166200. Disease mechanism: loss of function.
Ehlers-Danlos syndrome (EDS). Identifiers: Orphanet 98249, MedGen C0013720, MONDO:0020066.

Allele frequency attached by ClinVar (database versions not stated): TOPMed 0.00004.
gnomAD v4.1: 68 of 1,614,044 alleles (0.0042%); highest among the groups gnomAD compares: Admixed American, 0.025%; no homozygotes.

Submissions (4):

Labcorp Genetics (formerly Invitae), Labcorp
Classification: Uncertain significance for Osteogenesis imperfecta type I; Ehlers-Danlos syndrome, classic type, 1. Last evaluated: 2025-12-30. Review status: criteria provided, single submitter. Criteria: Invitae Variant Classification Sherloc (09022015). Collection method: clinical testing. Allele origin: germline.
Comment: This sequence change replaces valine, which is neutral and non-polar, with isoleucine, which is neutral and non-polar, at codon 294 of the COL1A2 protein (p.Val294Ile). This variant is present in population databases (rs145693444, gnomAD 0.03%). This variant has not been reported in the literature in individuals affected with COL1A2-related conditions. ClinVar contains an entry for this variant (Variation ID: 194693). Invitae Evidence Modeling of protein sequence and biophysical properties (such as structural, functional, and spatial information, amino acid conservation, physicochemical variation, residue mobility, and thermodynamic stability) indicates that this missense variant is not expected to disrupt COL1A2 protein function with a negative predictive value of 95%. In summary, the available evidence is currently insufficient to determine the role of this variant in disease. Therefore, it has been classified as a Variant of Uncertain Significance.

GeneDx
Classification: Uncertain significance. Last evaluated: 2025-09-24. Review status: criteria provided, single submitter. Criteria: GeneDx Variant Classification Process June 2021. Collection method: clinical testing. Allele origin: germline. Affected: yes.
Comment: Has not been previously published as pathogenic or benign to our knowledge; In silico analysis suggests that this missense variant does not alter protein structure/function

Genome Diagnostics Laboratory, The Hospital for Sick Children
Classification: Uncertain significance for Ehlers-Danlos syndrome. Last evaluated: 2019-09-01. Review status: criteria provided, single submitter. Criteria: ACMG Guidelines, 2015. Collection method: clinical testing. Allele origin: germline.

Eurofins Ntd Llc (ga)
Classification: Uncertain significance. Last evaluated: 2015-02-05. Review status: criteria provided, single submitter. Criteria: EGL Classification Definitions 2015. Collection method: clinical testing. Allele origin: germline. Observed: 1 variant allele, 1 heterozygote.